The following is an entry in ClinVar:

ClinVar aggregate classification (germline): Uncertain significance (1 of 4 stars; one submission).

Conditions:
GLUT1 deficiency syndrome 1, autosomal recessive. Identifiers: MedGen C3149117.

Submission:

Labcorp Genetics (formerly Invitae), Labcorp
Classification: Uncertain significance for GLUT1 deficiency syndrome 1, autosomal recessive. Last evaluated: 2020-09-23. Review status: criteria provided, single submitter. Criteria: Invitae Variant Classification Sherloc (09022015). Collection method: clinical testing. Allele origin: germline.
Comment: In summary, the available evidence is currently insufficient to determine the role of this variant in disease. Therefore, it has been classified as a Variant of Uncertain Significance. Advanced modeling of protein sequence and biophysical properties (such as structural, functional, and spatial information, amino acid conservation, physicochemical variation, residue mobility, and thermodynamic stability) performed at Invitae indicates that this missense variant is expected to disrupt SLC2A1 protein function. This variant has not been reported in the literature in individuals with SLC2A1-related conditions. This variant is not present in population databases (ExAC no frequency). This sequence change replaces tryptophan with arginine at codon 186 of the SLC2A1 protein (p.Trp186Arg). The tryptophan residue is highly conserved and there is a moderate physicochemical difference between tryptophan and arginine.

NM_006516.4(SLC2A1):c.556T>C (p.Trp186Arg)

Gene: SLC2A1 (solute carrier family 2 member 1; minus strand). Cytogenetic location: 1p34.2.
Variant type: single nucleotide variant.
Coding change: c.556T>C on transcript NM_006516.4 (MANE Select); coding-DNA position 556, T replaced by C.
Protein change: p.Trp186Arg; replaces tryptophan 186 with arginine.
Molecular consequence: missense variant.
Genome position (GRCh38, 1-based): chr1:42,929,996, A>G on the plus strand (T>C on the coding strand, the complement: SLC2A1 is on the minus strand). VCF-style: chr1-42929996-A-G. GRCh37 (hg19) VCF-style: chr1-43395667-A-G.
Other names: short protein forms W186R.
Identifiers: ClinVar variation 1034919 (VCV001034919.9), dbSNP rs1643471012, ClinGen allele CA339958707.